The following is an entry in ClinVar:

ClinVar aggregate classification (germline): Uncertain significance (1 of 4 stars; one submission).

Submission:

Greenwood Genetic Center Diagnostic Laboratories, Greenwood Genetic Center
Classification: Uncertain significance. Last evaluated: 2024-01-30. Review status: criteria provided, single submitter. Criteria: ACMG Guidelines, 2015. Collection method: clinical testing. Allele origin: germline. Affected: yes.
Comment: Gene of Uncertain Significance

NM_173540.3(POFUT4):c.1035G>C (p.Glu345Asp)

Genes: POFUT4 (protein O-fucosyltransferase 4; plus strand), LOC107984243 (uncharacterized LOC107984243; minus strand). Cytogenetic location: 10q22.2.
Variant type: single nucleotide variant.
Coding change: c.1035G>C on transcript NM_173540.3 (MANE Select); coding-DNA position 1035, G replaced by C.
Protein change: p.Glu345Asp; replaces glutamic acid 345 with aspartic acid.
Molecular consequence: missense variant.
Genome position (GRCh38, 1-based): chr10:73,773,516, G>C. VCF-style: chr10-73773516-G-C. GRCh37 (hg19) VCF-style: chr10-75533274-G-C.
Other names: c.1035G>C, p.Glu345Asp (NM_001284194.2); short protein forms E345D.
Identifiers: ClinVar variation 3235864 (VCV003235864.1), dbSNP rs1005068742, ClinGen allele CA377232431.